The following is an entry in ClinVar:

ClinVar aggregate classification (germline): Likely pathogenic (1 of 4 stars; one submission).

Conditions:
Autosomal recessive limb-girdle muscular dystrophy type 2J (LGMDR10). Also called: Limb-girdle muscular dystrophy, type 2J; MUSCULAR DYSTROPHY, LIMB-GIRDLE, AUTOSOMAL RECESSIVE 10. Identifiers: Orphanet 140922, MedGen C1837342, MONDO:0012127, OMIM 608807.
Dilated cardiomyopathy 1G (CMD1G). Identifiers: Orphanet 154, MedGen C1858763, MONDO:0011400, OMIM 604145.

Submission:

Labcorp Genetics (formerly Invitae), Labcorp
Classification: Likely pathogenic for Dilated cardiomyopathy 1G; Autosomal recessive limb-girdle muscular dystrophy type 2J. Last evaluated: 2024-06-30. Review status: criteria provided, single submitter. Criteria: Invitae Variant Classification Sherloc (09022015). Collection method: clinical testing. Allele origin: germline.
Comment: This sequence change creates a premature translational stop signal (p.Asn24792Glnfs*29) in the TTN gene. While this is not anticipated to result in nonsense mediated decay, it is expected to create a truncated TTN protein. This variant is not present in population databases (gnomAD no frequency). This variant has not been reported in the literature in individuals affected with TTN-related conditions. This variant is located in the A band of TTN (PMID: 25589632). Truncating variants in this region are significantly overrepresented in patients affected with dilated cardiomyopathy (PMID: 25589632). Truncating variants in this region have also been reported in individuals affected with autosomal recessive centronuclear myopathy (PMID: 23975875). In summary, the currently available evidence indicates that the variant is pathogenic, but additional data are needed to prove that conclusively. Therefore, this variant has been classified as Likely Pathogenic.

Literature cited by the submitters: PubMed 25589632; PubMed 23975875.

NM_001267550.2(TTN):c.74370_74373del (p.Asn24792fs)

Genes: TTN (titin; minus strand), TTN-AS1 (TTN antisense RNA 1; plus strand). Cytogenetic location: 2q31.2.
Variant type: Deletion.
Coding change: c.74370_74373del on transcript NM_001267550.2 (MANE Select); coding-DNA positions 74370 to 74373, 4 bases deleted (GACT; older notation c.74370_74373delGACT).
Protein change: p.Asn24792fs; shifts the reading frame from asparagine 24792.
Molecular consequence: frameshift variant.
Genome position (GRCh38, 1-based): chr2:178,571,759-178,571,762, AGTC deleted on the plus strand (GACT on the coding strand, the reverse complement: TTN is on the minus strand); deleting any 4 consecutive bases within chr2:178,571,759-178,571,765 gives the same sequence; the c. name uses the placement nearest the transcript's 3' end. VCF-style (leftmost placement, unchanged base first): chr2-178571758-TAGTC-T. GRCh37 (hg19) VCF-style: chr2-179436485-TAGTC-T.
Other names: c.69447_69450del, p.Asn23151fs (NM_001256850.1); c.47175_47178del, p.Asn15727fs (NM_003319.4); c.66666_66669del, p.Asn22224fs (NM_133378.4); c.47550_47553del, p.Asn15852fs (NM_133432.3); c.47751_47754del, p.Asn15919fs (NM_133437.4); short protein forms N15727fs, N15852fs, N15919fs, N22224fs, N23151fs, N24792fs.
Identifiers: ClinVar variation 3751565 (VCV003751565.2).
Genomic context (GRCh38, chr2:178,571,758, plus strand): 5'-GAGGCCCTGGTTTGTCAAGAACGATAACATTAAGGGTTTCAATAGCTTCACCAGCTGAGT[TAGTC>T]AGTTTAACCACATAATGGCCAACATCTTCTCGGCAGGCGTCCTTTATTGTCAGTAGTGAA-3'